The following is an entry in ClinVar:

ClinVar aggregate classification (germline): Uncertain significance (1 of 4 stars; one submission).

Allele frequency attached by ClinVar (database versions not stated): gnomAD exomes 0.00002; ExAC 0.00003; TOPMed 0.00003.
gnomAD v4.1: 7 of 1,212,006 alleles (0.00058%); highest among the groups gnomAD compares: Admixed American, 0.015%; no homozygotes.

Submission:

Labcorp Genetics (formerly Invitae), Labcorp
Classification: Uncertain significance. Last evaluated: 2025-09-08. Review status: criteria provided, single submitter. Criteria: Invitae Variant Classification Sherloc (09022015). Collection method: clinical testing. Allele origin: germline.
Comment: This sequence change replaces phenylalanine, which is neutral and non-polar, with leucine, which is neutral and non-polar, at codon 388 of the TLR7 protein (p.Phe388Leu). This variant is present in population databases (rs778485716, gnomAD 0.02%). This variant has not been reported in the literature in individuals affected with TLR7-related conditions. ClinVar contains an entry for this variant (Variation ID: 2895365). An algorithm developed to predict the effect of missense changes on protein structure and function outputs the following: PolyPhen-2: "Benign". The leucine amino acid residue is found in multiple mammalian species, which suggests that this missense change does not adversely affect protein function. In summary, the available evidence is currently insufficient to determine the role of this variant in disease. Therefore, it has been classified as a Variant of Uncertain Significance.

NM_016562.4(TLR7):c.1162T>C (p.Phe388Leu)

Gene: TLR7 (toll like receptor 7; plus strand). Cytogenetic location: Xp22.2.
Variant type: single nucleotide variant.
Coding change: c.1162T>C on transcript NM_016562.4 (MANE Select); coding-DNA position 1162, T replaced by C.
Protein change: p.Phe388Leu; replaces phenylalanine 388 with leucine.
Molecular consequence: missense variant.
Genome position (GRCh38, 1-based): chrX:12,886,670, T>C. VCF-style: chrX-12886670-T-C. GRCh37 (hg19) VCF-style: chrX-12904789-T-C.
Other names: short protein forms F388L.
Identifiers: ClinVar variation 2895365 (VCV002895365.3), dbSNP rs778485716, ClinGen allele CA10350000.